The following is an entry in ClinVar:

ClinVar aggregate classification (germline): Conflicting classifications of pathogenicity. Review status: criteria provided, conflicting classifications (1 of 4 stars). 4 submissions from 4 submitters: Uncertain significance (3); Likely benign (1). Last evaluated 2022-11-28.

Conditions:
Dilated cardiomyopathy 1KK (CMD1KK). Identifiers: Orphanet 154, Orphanet 75249, MedGen C3714995, MONDO:0014100, OMIM 615248.
Cardiovascular phenotype. Identifiers: MedGen CN230736.

Allele frequency attached by ClinVar (database versions not stated): TOPMed below 0.00001; ExAC 0.00007.
gnomAD v4.1: 87 of 1,594,104 alleles (0.0055%); highest among the groups gnomAD compares: East Asian, 0.19%; no homozygotes.

Submissions (4):

GeneDx
Classification: Uncertain significance. Last evaluated: 2022-11-28. Review status: criteria provided, single submitter. Criteria: GeneDx Variant Classification Process June 2021. Collection method: clinical testing. Allele origin: germline. Affected: yes.
Comment: Reported in an individual with DCM (Shen et al., 2022); In silico analysis supports that this missense variant does not alter protein structure/function; This variant is associated with the following publications: (PMID: 35284542)

Mayo Clinic Laboratories, Mayo Clinic
Classification: Uncertain significance. Last evaluated: 2022-10-19. Review status: criteria provided, single submitter. Criteria: ACMG Guidelines, 2015. Collection method: clinical testing. Allele origin: germline. Observed: 1 variant allele.
Comment: BS1

Labcorp Genetics (formerly Invitae), Labcorp
Classification: Uncertain significance for Dilated cardiomyopathy 1KK. Last evaluated: 2022-07-01. Review status: criteria provided, single submitter. Criteria: Invitae Variant Classification Sherloc (09022015). Collection method: clinical testing. Allele origin: germline.
Comment: This sequence change replaces arginine, which is basic and polar, with lysine, which is basic and polar, at codon 482 of the MYPN protein (p.Arg482Lys). This variant is present in population databases (rs773665854, gnomAD 0.1%). This variant has not been reported in the literature in individuals affected with MYPN-related conditions. ClinVar contains an entry for this variant (Variation ID: 1439551). Algorithms developed to predict the effect of missense changes on protein structure and function are either unavailable or do not agree on the potential impact of this missense change (SIFT: "Tolerated"; PolyPhen-2: "Possibly Damaging"; Align-GVGD: "Class C0"). In summary, the available evidence is currently insufficient to determine the role of this variant in disease. Therefore, it has been classified as a Variant of Uncertain Significance.

Ambry Genetics
Classification: Likely benign for Cardiovascular phenotype. Last evaluated: 2021-09-07. Review status: criteria provided, single submitter. Criteria: Ambry Variant Classification Scheme 2023. Collection method: clinical testing. Allele origin: germline.

NM_032578.4(MYPN):c.1445G>A (p.Arg482Lys)

Gene: MYPN (myopalladin; plus strand). Cytogenetic location: 10q21.3.
Variant type: single nucleotide variant.
Coding change: c.1445G>A on transcript NM_032578.4 (MANE Select); coding-DNA position 1445, G replaced by A.
Protein change: p.Arg482Lys; replaces arginine 482 with lysine.
Molecular consequence: missense variant. On other transcripts: non-coding transcript variant (2).
Genome position (GRCh38, 1-based): chr10:68,158,613, G>A. VCF-style: chr10-68158613-G-A. GRCh37 (hg19) VCF-style: chr10-69918370-G-A.
Other names: p.Arg482Lys; c.1445G>A (NM_032578.3); c.1445G>A, p.Arg482Lys (NM_001256267.2); c.563G>A, p.Arg188Lys (NM_001256268.2); short protein forms R482K, R188K.
Identifiers: ClinVar variation 1439551 (VCV001439551.6), dbSNP rs773665854, ClinGen allele CA5522540.
Genomic context (GRCh38, chr10:68,158,613, plus strand): 5'-CATCTCCTAAGGTTGAGTGGTATAGAGAAGGGACTTTAATAGAAGATTCTCCAGATTTTA[G>A]GATTTTACAGAAAAGTAAGTTAATACTTTAAATTATTTTCTGATATTTTGTTTTTATGAA-3'
Protein context (NP_115967.2, residues 472-492): GTLIEDSPDF[Arg482Lys]ILQKKPRSMA